The following is an entry in ClinVar:

ClinVar aggregate classification (germline): Conflicting classifications of pathogenicity. Review status: criteria provided, conflicting classifications (1 of 4 stars). 3 submissions from 3 submitters: Uncertain significance (2); Likely benign (1). Last evaluated 2026-01-19.

Conditions:
Hereditary cancer-predisposing syndrome. Also called: Hereditary Cancer Syndrome; Tumor predisposition; Hereditary neoplastic syndrome; Neoplastic Syndromes, Hereditary. Identifiers: Orphanet 140162, MedGen C0027672, MeSH D009386, MONDO:0015356.
Oligodontia-cancer predisposition syndrome. Also called: TOOTH AGENESIS-COLORECTAL CANCER SYNDROME. Identifiers: Orphanet 300576, MedGen C1837750, MONDO:0012075, OMIM 608615. Disease mechanism: loss of function.

Submissions (3):

Labcorp Genetics (formerly Invitae), Labcorp
Classification: Uncertain significance for Oligodontia-cancer predisposition syndrome. Last evaluated: 2026-01-19. Review status: criteria provided, single submitter. Criteria: Invitae Variant Classification Sherloc (09022015). Collection method: clinical testing. Allele origin: germline.
Comment: This sequence change replaces threonine, which is neutral and polar, with alanine, which is neutral and non-polar, at codon 419 of the AXIN2 protein (p.Thr419Ala). This variant is not present in population databases (gnomAD no frequency). This variant has not been reported in the literature in individuals affected with AXIN2-related conditions. ClinVar contains an entry for this variant (Variation ID: 1044241). Invitae Evidence Modeling of protein sequence and biophysical properties (such as structural, functional, and spatial information, amino acid conservation, physicochemical variation, residue mobility, and thermodynamic stability) indicates that this missense variant is not expected to disrupt AXIN2 protein function with a negative predictive value of 80%. In summary, the available evidence is currently insufficient to determine the role of this variant in disease. Therefore, it has been classified as a Variant of Uncertain Significance.

Quest Diagnostics Nichols Institute San Juan Capistrano
Classification: Uncertain significance. Last evaluated: 2025-03-24. Review status: criteria provided, single submitter. Criteria: Quest Diagnostics criteria. Collection method: clinical testing. Allele origin: unknown.
Comment: The AXIN2 c.1255A>G (p.Thr419Ala) variant has not been reported in individuals with AXIN2-related conditions in the published literature. It also has not been reported in large, multi-ethnic general populations (Genome Aggregation Database). Analysis of this variant using bioinformatics tools for the prediction of the effect of amino acid changes on protein structure and function yielded predictions that this variant is benign. Based on the available information, we are unable to determine the clinical significance of this variant.

Ambry Genetics
Classification: Likely benign for Hereditary cancer-predisposing syndrome. Last evaluated: 2021-09-17. Review status: criteria provided, single submitter. Criteria: Ambry Variant Classification Scheme 2023. Collection method: clinical testing. Allele origin: germline.

NM_004655.4(AXIN2):c.1255A>G (p.Thr419Ala)

Gene: AXIN2 (axin 2; minus strand). Cytogenetic location: 17q24.1.
Variant type: single nucleotide variant.
Coding change: c.1255A>G on transcript NM_004655.4 (MANE Select); coding-DNA position 1255, A replaced by G.
Protein change: p.Thr419Ala; replaces threonine 419 with alanine.
Molecular consequence: missense variant.
Genome position (GRCh38, 1-based): chr17:65,537,781, T>C on the plus strand (A>G on the coding strand, the complement: AXIN2 is on the minus strand). VCF-style: chr17-65537781-T-C. GRCh37 (hg19) VCF-style: chr17-63533899-T-C.
Other names: c.1255A>G, p.Thr419Ala (NM_001363813.1); short protein forms T419A.
Identifiers: ClinVar variation 1044241 (VCV001044241.12), dbSNP rs2043961502, ClinGen allele CA400677869.